The following is an entry in ClinVar:

NM_024675.4(PALB2):c.1147C>T (p.Leu383=)

Gene: PALB2 (partner and localizer of BRCA2; minus strand). Cytogenetic location: 16p12.2.
Variant type: single nucleotide variant.
Coding change: c.1147C>T on transcript NM_024675.4 (MANE Select); coding-DNA position 1147, C replaced by T.
Protein change: p.Leu383=; no amino-acid change (leucine 383 retained).
Molecular consequence: synonymous variant. On other transcripts: intron variant (3).
Genome position (GRCh38, 1-based): chr16:23,635,399, G>A on the plus strand (C>T on the coding strand, the complement: PALB2 is on the minus strand). VCF-style: chr16-23635399-G-A. GRCh37 (hg19) VCF-style: chr16-23646720-G-A.
Other names: c.1087C>T, p.Leu363= (NM_001407296.1); c.1147C>T, p.Leu383= (NM_001407297.1, NM_001407298.1, NM_001407299.1 and 3 more transcripts); c.262C>T, p.Leu88= (NM_001407304.1, NM_001407305.1, NM_001407306.1 and 5 more transcripts); c.48+5711C>T (NM_001407314.1); c.-104-4930C>T (NM_001407313.1, NM_001407312.1).
Identifiers: ClinVar variation 3904152 (VCV003904152.1).

ClinVar aggregate classification (germline): Benign (1 of 4 stars; one submission).

Conditions:
Familial cancer of breast. Also called: Hereditary breast cancer; hereditary breast carcinoma; BREAST CANCER, FAMILIAL. Identifiers: Orphanet 227535, MedGen C0346153, MONDO:0016419, OMIM 114480. Disease mechanism: loss of function.

Submission:

Myriad Genetics, Inc.
Classification: Benign for Familial cancer of breast. Last evaluated: 2025-01-13. Review status: criteria provided, single submitter. Criteria: Myriad Autosomal Dominant, Autosomal Recessive and X-Linked Classification Criteria (2023). Collection method: clinical testing. Allele origin: unknown.
Comment: This variant is considered benign. This variant is a silent/synonymous amino acid change and it is not expected to impact splicing.